The following is an entry in ClinVar:

ClinVar aggregate classification (germline): Likely benign (1 of 4 stars; one submission).

Submission:

CeGaT Center for Human Genetics Tuebingen
Classification: Likely benign. Last evaluated: 2025-10-01. Review status: criteria provided, single submitter. Criteria: CeGaT Center For Human Genetics Tuebingen Variant Classification Criteria Version 2. Collection method: clinical testing. Allele origin: germline. Affected: yes. Observed: 1 variant allele.
Comment: PLIN4: BP4, BP7

NM_001367868.2(PLIN4):c.2478C>G (p.Thr826=)

Gene: PLIN4 (perilipin 4; minus strand). Cytogenetic location: 19p13.3.
Variant type: single nucleotide variant.
Coding change: c.2478C>G on transcript NM_001367868.2 (MANE Select); coding-DNA position 2478, C replaced by G.
Protein change: p.Thr826=; no amino-acid change (threonine 826 retained).
Molecular consequence: synonymous variant.
Genome position (GRCh38, 1-based): chr19:4,511,482, G>C on the plus strand (C>G on the coding strand, the complement: PLIN4 is on the minus strand). VCF-style: chr19-4511482-G-C. GRCh37 (hg19) VCF-style: chr19-4511494-G-C.
Other names: c.2481C>G, p.Thr827= (NM_001393888.1, NM_001393889.1); c.2478C>G, p.Thr826= (NM_001393890.1, NM_001393891.1).
Identifiers: ClinVar variation 4534040 (VCV004534040.6).
Genomic context (GRCh38, chr19:4,511,482, plus strand): 5'-AGCACCCTTGGCCACGTTCGCAGCACCGGTGACCCCACTGCAGACAGTGTCCTTGGTACC[G>C]GTCAGCACGGTCTTGGCCGTGTCTACACCCATCTGGACGGCCCCCTTGGCCACATTCGCA-3'
Protein context (NP_001354797.1, residues 816-836): MGVDTAKTVL[Thr826=]GTKDTVCSGV